The following is an entry in ClinVar:

ClinVar aggregate classification (germline): Uncertain significance (1 of 4 stars; one submission).

Submission:

Labcorp Genetics (formerly Invitae), Labcorp
Classification: Uncertain significance. Last evaluated: 2024-06-04. Review status: criteria provided, single submitter. Criteria: Invitae Variant Classification Sherloc (09022015). Collection method: clinical testing. Allele origin: germline.
Comment: This sequence change creates a premature translational stop signal (p.Arg369Lysfs*13) in the SIAE gene. It is expected to result in an absent or disrupted protein product. However, the current clinical and genetic evidence is not sufficient to establish whether loss-of-function variants in SIAE cause disease. This variant is present in population databases (rs773546023, gnomAD no frequency). This variant has not been reported in the literature in individuals affected with SIAE-related conditions. In summary, the available evidence is currently insufficient to determine the role of this variant in disease. Therefore, it has been classified as a Variant of Uncertain Significance.

NM_170601.5(SIAE):c.1105dup (p.Arg369fs)

Gene: SIAE (sialic acid acetylesterase; minus strand). Cytogenetic location: 11q24.2.
Variant type: Duplication.
Coding change: c.1105dup on transcript NM_170601.5 (MANE Select); coding-DNA position 1105, one base duplicated (A; older notation c.1105dupA).
Protein change: p.Arg369fs; shifts the reading frame from arginine 369.
Molecular consequence: frameshift variant.
Genome position (GRCh38, 1-based): chr11:124,639,729, T duplicated on the plus strand (A on the coding strand, the reverse complement: SIAE is on the minus strand). VCF-style (leftmost placement, unchanged base first): chr11-124639728-C-CT. GRCh37 (hg19) VCF-style: chr11-124509624-C-CT.
Other names: c.1000dup, p.Arg334fs (NM_001199922.2); short protein forms R334fs, R369fs.
Identifiers: ClinVar variation 3665275 (VCV003665275.2).